The following is an entry in ClinVar:

ClinVar aggregate classification (germline): Uncertain significance (1 of 4 stars; one submission).

Conditions:
Hereditary cancer-predisposing syndrome. Also called: Neoplastic Syndromes, Hereditary; Tumor predisposition; Hereditary Cancer Syndrome; Hereditary neoplastic syndrome. Identifiers: Orphanet 140162, MedGen C0027672, MeSH D009386, MONDO:0015356.

Submission:

Ambry Genetics
Classification: Uncertain significance for Hereditary cancer-predisposing syndrome. Last evaluated: 2026-02-15. Review status: criteria provided, single submitter. Criteria: Ambry Variant Classification Scheme 2023. Collection method: clinical testing. Allele origin: germline.
Comment: The p.K300Q variant (also known as c.898A>C), located in coding exon 6 of the ATM gene, results from an A to C substitution at nucleotide position 898. The lysine at codon 300 is replaced by glutamine, an amino acid with similar properties. This amino acid position is conserved. In addition, this alteration is predicted to be tolerated by in silico analysis. Based on the available evidence, the clinical significance of this variant remains unclear.

NM_000051.4(ATM):c.898A>C (p.Lys300Gln)

Gene: ATM (ATM serine/threonine kinase; plus strand). Cytogenetic location: 11q22.3.
Variant type: single nucleotide variant.
Coding change: c.898A>C on transcript NM_000051.4 (MANE Select); coding-DNA position 898, A replaced by C.
Protein change: p.Lys300Gln; replaces lysine 300 with glutamine.
Molecular consequence: missense variant.
Genome position (GRCh38, 1-based): chr11:108,245,023, A>C. VCF-style: chr11-108245023-A-C. GRCh37 (hg19) VCF-style: chr11-108115750-A-C.
Other names: c.898A>C, p.Lys300Gln (NM_001351834.2); short protein forms K300Q.
Identifiers: ClinVar variation 4825529 (VCV004825529.1).